The following is an entry in ClinVar:

NM_025179.4(PLXNA2):c.909C>T (p.Ala303=)

Gene: PLXNA2 (plexin A2; minus strand). Cytogenetic location: 1q32.2.
Variant type: single nucleotide variant.
Coding change: c.909C>T on transcript NM_025179.4 (MANE Select); coding-DNA position 909, C replaced by T.
Protein change: p.Ala303=; no amino-acid change (alanine 303 retained).
Molecular consequence: synonymous variant.
Genome position (GRCh38, 1-based): chr1:208,217,014, G>A on the plus strand (C>T on the coding strand, the complement: PLXNA2 is on the minus strand). VCF-style: chr1-208217014-G-A. GRCh37 (hg19) VCF-style: chr1-208390359-G-A.
Identifiers: ClinVar variation 3355701 (VCV003355701.1).
Genomic context (GRCh38, chr1:208,217,014, plus strand): 5'-GGCCAGTGAGTCCCCAGGCTTGGCCAGGTAAGCAGCCTGCAGGAGGCGGTATTCCACCCC[G>A]GCCCGGGTGCAGCCGAAGGGCAGGGACACGTATGAGTGGAACTTGGGGTCATCCTTGCAG-3'
Protein context (NP_079455.3, residues 293-313): YVSLPFGCTR[Ala303=]GVEYRLLQAA

ClinVar aggregate classification (germline): Likely benign (0 of 4 stars; one submission).

Conditions:
PLXNA2-related disorder. Also called: PLXNA2-related condition.

gnomAD v4.1: 16 of 1,611,826 alleles (0.00099%); highest among the groups gnomAD compares: Admixed American, 0.01%; no homozygotes.

Submission:

PreventionGenetics, part of Exact Sciences
Classification: Likely benign for PLXNA2-related condition. Last evaluated: 2022-02-10. Review status: no assertion criteria provided. Collection method: clinical testing. Allele origin: germline.
Comment: This variant is classified as likely benign based on ACMG/AMP sequence variant interpretation guidelines (Richards et al. 2015 PMID: 25741868, with internal and published modifications).